The following is an entry in ClinVar:

NM_000038.6(APC):c.2481T>C (p.Asn827=)

Gene: APC (APC regulator of Wnt signaling pathway; plus strand). Cytogenetic location: 5q22.2.
Variant type: single nucleotide variant.
Coding change: c.2481T>C on transcript NM_000038.6 (MANE Select); coding-DNA position 2481, T replaced by C.
Protein change: p.Asn827=; no amino-acid change (asparagine 827 retained).
Molecular consequence: synonymous variant.
Genome position (GRCh38, 1-based): chr5:112,838,075, T>C. VCF-style: chr5-112838075-T-C. GRCh37 (hg19) VCF-style: chr5-112173772-T-C.
Other names: c.2481T>C, p.Asn827= (NM_001127510.3, NM_001354895.2); c.2427T>C, p.Asn809= (NM_001127511.3); c.2535T>C, p.Asn845= (NM_001354896.2); c.2511T>C, p.Asn837= (NM_001354897.2); c.2406T>C, p.Asn802= (NM_001354898.2); c.2397T>C, p.Asn799= (NM_001354899.2); c.2358T>C, p.Asn786= (NM_001354900.2); c.2304T>C, p.Asn768= (NM_001354901.2); and 5 more.
Identifiers: ClinVar variation 469749 (VCV000469749.24), dbSNP rs749477816, ClinGen allele CA032262.

ClinVar aggregate classification (germline): Benign/Likely benign. Review status: criteria provided, multiple submitters, no conflicts (2 of 4 stars). 7 submissions from 7 submitters: Benign (1); Likely benign (5). 1 of the submissions does not count toward it. Last evaluated 2025-11-03.

Conditions:
APC-related disorder. Also called: APC-related condition.
Hereditary cancer-predisposing syndrome. Also called: Hereditary neoplastic syndrome; Neoplastic Syndromes, Hereditary; Tumor predisposition; Hereditary Cancer Syndrome. Identifiers: Orphanet 140162, MedGen C0027672, MeSH D009386, MONDO:0015356.
Familial adenomatous polyposis 1 (FAP1). Also called: POLYPOSIS, ADENOMATOUS INTESTINAL; FAMILIAL ADENOMATOUS POLYPOSIS 1, ATTENUATED. Identifiers: MedGen C2713442, MONDO:0021056, OMIM 175100. Disease mechanism: loss of function.
APC-Associated Polyposis Disorders.

Allele frequency attached by ClinVar (database versions not stated): gnomAD exomes 0.00001 and 0.00002; ExAC 0.00002.
gnomAD v4.1: 12 of 1,614,196 alleles (0.00074%); highest among the groups gnomAD compares: East Asian, 0.027%; no homozygotes.

Submissions (7):

Labcorp Genetics (formerly Invitae), Labcorp
Classification: Likely benign for Familial adenomatous polyposis 1. Last evaluated: 2025-11-03. Review status: criteria provided, single submitter. Criteria: Invitae Variant Classification Sherloc (09022015). Collection method: clinical testing. Allele origin: germline.

Myriad Genetics, Inc.
Classification: Benign for Familial adenomatous polyposis 1. Last evaluated: 2024-03-14. Review status: criteria provided, single submitter. Criteria: Myriad Autosomal Dominant, Autosomal Recessive and X-Linked Classification Criteria (2023). Collection method: clinical testing. Allele origin: unknown.
Comment: This variant is considered benign. This variant is a silent/synonymous amino acid change and it is not expected to impact splicing.

Sema4
Classification: Likely benign for Hereditary cancer-predisposing syndrome. Last evaluated: 2021-11-02. Review status: criteria provided, single submitter. Criteria: Sema4 Curation Guidelines. Collection method: curation. Allele origin: germline.

Illumina Laboratory Services, Illumina
Classification: Likely benign for APC-Associated Polyposis Disorders. Last evaluated: 2018-01-13. Review status: criteria provided, single submitter. Criteria: ICSL Variant Classification Criteria 13 December 2019. Collection method: clinical testing. Allele origin: germline.
Comment: This variant was observed in the ICSL laboratory as part of a predisposition screen in an ostensibly healthy population. It had not been previously curated by ICSL or reported in the Human Gene Mutation Database (HGMD: prior to June 1st, 2018), and was therefore a candidate for classification through an automated scoring system. Utilizing variant allele frequency, disease prevalence and penetrance estimates, and inheritance mode, an automated score was calculated to assess if this variant is too frequent to cause the disease. Based on the score and internal cut-off values, a variant classified as likely benign is not then subjected to further curation. The score for this variant resulted in a classification of likely benign for this disease.

Color Diagnostics, LLC DBA Color Health
Classification: Likely benign for Hereditary cancer-predisposing syndrome. Last evaluated: 2016-09-27. Review status: criteria provided, single submitter. Criteria: ACMG Guidelines, 2015. Collection method: clinical testing. Allele origin: germline.

Ambry Genetics
Classification: Likely benign for Hereditary cancer-predisposing syndrome. Last evaluated: 2015-12-17. Review status: criteria provided, single submitter. Criteria: Ambry Variant Classification Scheme 2023. Collection method: clinical testing. Allele origin: germline.

PreventionGenetics, part of Exact Sciences
Classification: Likely benign for APC-related condition. Last evaluated: 2024-05-05. Review status: no assertion criteria provided. Collection method: clinical testing. Allele origin: germline. Not counted in ClinVar's aggregate classification.
Comment: This variant is classified as likely benign based on ACMG/AMP sequence variant interpretation guidelines (Richards et al. 2015 PMID: 25741868, with internal and published modifications).